The following is an entry in ClinVar:

NM_002335.4(LRP5):c.3862G>C (p.Asp1288His)

Gene: LRP5 (LDL receptor related protein 5; plus strand). Cytogenetic location: 11q13.2.
Variant type: single nucleotide variant.
Coding change: c.3862G>C on transcript NM_002335.4 (MANE Select); coding-DNA position 3862, G replaced by C.
Protein change: p.Asp1288His; replaces aspartic acid 1288 with histidine.
Molecular consequence: missense variant.
Genome position (GRCh38, 1-based): chr11:68,433,700, G>C. VCF-style: chr11-68433700-G-C. GRCh37 (hg19) VCF-style: chr11-68201168-G-C.
Other names: c.2119G>C, p.Asp707His (NM_001291902.2); short protein forms D1288H, D707H.
Identifiers: ClinVar variation 3775522 (VCV003775522.1).

ClinVar aggregate classification (germline): Uncertain significance (1 of 4 stars; one submission).

Conditions:
Osteoporosis with pseudoglioma (OPPG). Also called: osteoporosis-pseudoglioma syndrome. Identifiers: Orphanet 2788, MedGen C0432252, MONDO:0009820, OMIM 259770.

Submission:

3billion
Classification: Uncertain significance for Osteoporosis with pseudoglioma. Last evaluated: 2023-12-10. Review status: criteria provided, single submitter. Criteria: ACMG Guidelines, 2015. Collection method: clinical testing. Allele origin: germline. Affected: yes.
Comment: The variant is not observed in the gnomAD v2.1.1 dataset. Predicted Consequence/Location: Missense variant In silico tool predictions suggest damaging effect of the variant on gene or gene product [REVEL: 0.96 (>=0.6, sensitivity 0.68 and specificity 0.92); 3Cnet: 0.77 (>=0.6, sensitivity 0.72 and precision 0.9)]. A different missense change at the same codon (p.Asp1288Gly) has been reported to be associated with LRP5 related disorder (ClinVar ID: VCV002152119 /PMID: 30283887). However the evidence of pathogenicity is insufficient at this time. Therefore, this variant is classified as VUS according to the recommendation of ACMG/AMP guideline.

Literature cited by the submitters: PubMed 30283887.